The following is an entry in ClinVar:

NM_001366521.1(ATP2B1):c.767A>T (p.Lys256Met)

Gene: ATP2B1 (ATPase plasma membrane Ca2+ transporting 1; minus strand). Cytogenetic location: 12q21.33.
Variant type: single nucleotide variant.
Coding change: c.767A>T on transcript NM_001366521.1 (MANE Select); coding-DNA position 767, A replaced by T.
Protein change: p.Lys256Met; replaces lysine 256 with methionine.
Molecular consequence: missense variant. On other transcripts: non-coding transcript variant (3), intron variant (5).
Genome position (GRCh38, 1-based): chr12:89,634,798, T>A on the plus strand (A>T on the coding strand, the complement: ATP2B1 is on the minus strand). VCF-style: chr12-89634798-T-A. GRCh37 (hg19) VCF-style: chr12-90028575-T-A.
Other names: c.767A>T, p.Lys256Met (NM_001001323.2, NM_001366520.1, NM_001366522.1 and 17 more transcripts); c.569A>T, p.Lys190Met (NM_001366530.1, NM_001413053.1); c.512A>T, p.Lys171Met (NM_001413056.1); c.314A>T, p.Lys105Met (NM_001413057.1); c.406+7360A>T (NM_001413060.1, NM_001366531.1, NM_001413058.1 and 2 more transcripts); short protein forms K105M, K171M, K190M, K256M.
Identifiers: ClinVar variation 3343695 (VCV003343695.2).

ClinVar aggregate classification (germline): Uncertain significance (1 of 4 stars; one submission).

Submission:

GeneDx
Classification: Uncertain significance. Last evaluated: 2024-11-26. Review status: criteria provided, single submitter. Criteria: GeneDx Variant Classification Process June 2021. Collection method: clinical testing. Allele origin: germline.
Comment: Not observed at significant frequency in large population cohorts (gnomAD); In silico analysis indicates that this missense variant does not alter protein structure/function; Has not been previously published as pathogenic or benign to our knowledge